The following is an entry in ClinVar:

NM_001481.3(DRC4):c.886C>T (p.Gln296Ter)

Gene: DRC4 (dynein regulatory complex subunit 4; plus strand). Cytogenetic location: 16q24.3.
Variant type: single nucleotide variant.
Coding change: c.886C>T on transcript NM_001481.3 (MANE Select); coding-DNA position 886, C replaced by T.
Protein change: p.Gln296Ter; replaces glutamine 296 with a stop codon.
Molecular consequence: nonsense.
Genome position (GRCh38, 1-based): chr16:90,037,361, C>T. VCF-style: chr16-90037361-C-T. GRCh37 (hg19) VCF-style: chr16-90103769-C-T.
Other names: c.637C>T, p.Gln213Ter (NM_001286205.2); c.310C>T, p.Gln104Ter (NM_001286208.2); c.811C>T, p.Gln271Ter (NM_001286209.2); short protein forms Q104*, Q213*, Q271*, Q296*.
Identifiers: ClinVar variation 1076474 (VCV001076474.7), dbSNP rs143809463, ClinGen allele CA286660575.
Genomic context (GRCh38, chr16:90,037,361, plus strand): 5'-AACAAGCGCCTGGCAGACCCTCTCCAGAAGGCTCGGGAGGAGATGAGCGAGATGCAGAAA[C>T]AGCTCGCAAACTACGAGAGGGACAAGCAGATCCTGCTTGTGAGTTTCCCGCTGGATTCCT-3'

ClinVar aggregate classification (germline): Pathogenic (1 of 4 stars; one submission).

Conditions:
Primary ciliary dyskinesia 33. Also called: CILIARY DYSKINESIA, PRIMARY, 33, WITHOUT SITUS INVERSUS. Identifiers: Orphanet 244, MedGen C4225230, MONDO:0014750, OMIM 616726.

Allele frequency attached by ClinVar (database versions not stated): gnomAD exomes below 0.00001 and 0.00001; TOPMed 0.00001; gnomAD 0.00002; ESP Exome Variant Server 0.00008.
gnomAD v4.1: 9 of 1,613,852 alleles (0.00056%); highest among the groups gnomAD compares: African/African-American, 0.0027%; no homozygotes.

Submission:

Labcorp Genetics (formerly Invitae), Labcorp
Classification: Pathogenic for Primary ciliary dyskinesia 33. Last evaluated: 2020-03-17. Review status: criteria provided, single submitter. Criteria: Invitae Variant Classification Sherloc (09022015). Collection method: clinical testing. Allele origin: germline.
Comment: This variant is not present in population databases (ExAC no frequency). This variant has not been reported in the literature in individuals with GAS8-related conditions. Loss-of-function variants in GAS8 are known to be pathogenic (PMID: 26387594). For these reasons, this variant has been classified as Pathogenic. This sequence change creates a premature translational stop signal (p.Gln296*) in the GAS8 gene. It is expected to result in an absent or disrupted protein product.

Literature cited by the submitters: PubMed 26387594.